The following is an entry in ClinVar:

ClinVar aggregate classification (germline): Uncertain significance (1 of 4 stars; one submission).

Submission:

Women's Health and Genetics/Laboratory Corporation of America, LabCorp
Classification: Uncertain significance. Last evaluated: 2022-06-15. Review status: criteria provided, single submitter. Criteria: LabCorp Variant Classification Summary - May 2015. Collection method: clinical testing. Allele origin: germline.
Comment: Variant summary: CPLANE1 c.4168_4177delinsGTTG (p.Leu1390_Cys1393delinsValGly) results in an in-frame deletion-insertion in exon 24 that is predicted to delete two amino acids from the protein and also cause changes in two amino acids. The variant was absent in 250664 control chromosomes (gnomAD). To our knowledge, there have been no reports in the literature of c.4168_4177delinsGTTG in individuals affected with Joubert Syndrome And Related Disorders and no experimental evidence demonstrating an impact on protein function. No clinical diagnostic laboratories have submitted clinical-significance assessments for this variant to ClinVar after 2014. Based on the evidence outlined above, the variant was classified as uncertain significance.

NM_001384732.1(CPLANE1):c.4168_4177delinsGTTG (p.Leu1390_Cys1393delinsValGly)

Gene: CPLANE1 (ciliogenesis and planar polarity effector complex subunit 1; minus strand). Cytogenetic location: 5p13.2.
Variant type: Indel.
Coding change: c.4168_4177delinsGTTG on transcript NM_001384732.1 (MANE Select); coding-DNA positions 4168 to 4177, CTCAGACACT replaced by GTTG.
Protein change: p.Leu1390_Cys1393delinsValGly.
Molecular consequence: inframe indel.
Genome position (GRCh38, 1-based): chr5:37,186,298-37,186,307, AGTGTCTGAG replaced by CAAC on the plus strand (CTCAGACACT replaced by GTTG on the coding strand, the reverse complement: CPLANE1 is on the minus strand). VCF-style: chr5-37186298-AGTGTCTGAG-CAAC. GRCh37 (hg19) VCF-style: chr5-37186400-AGTGTCTGAG-CAAC.
Other names: c.4168_4177delinsGTTG, p.Leu1390_Cys1393delinsValGly (NM_023073.4).
Identifiers: ClinVar variation 1698571 (VCV001698571.1), dbSNP rs2151198005, ClinGen allele CA2580073237.